The following is an entry in ClinVar:

NM_002469.3(MYF6):c.587G>A (p.Gly196Glu)

Gene: MYF6 (myogenic factor 6; plus strand). Cytogenetic location: 12q21.31.
Variant type: single nucleotide variant.
Coding change: c.587G>A on transcript NM_002469.3 (MANE Select); coding-DNA position 587, G replaced by A.
Protein change: p.Gly196Glu; replaces glycine 196 with glutamic acid.
Molecular consequence: missense variant.
Genome position (GRCh38, 1-based): chr12:80,708,591, G>A. VCF-style: chr12-80708591-G-A. GRCh37 (hg19) VCF-style: chr12-81102370-G-A.
Other names: short protein forms G196E.
Identifiers: ClinVar variation 578567 (VCV000578567.14), dbSNP rs750182640, ClinGen allele CA6703141.

ClinVar aggregate classification (germline): Uncertain significance. Review status: criteria provided, multiple submitters, no conflicts (2 of 4 stars). 2 submissions from 2 submitters: Uncertain significance (2). Last evaluated 2025-02-05.

Conditions:
Autosomal dominant centronuclear myopathy. Also called: Myopathy, centronuclear, 3; MYOTUBULAR MYOPATHY, AUTOSOMAL DOMINANT. Identifiers: Orphanet 169189, MedGen C4551952, MeSH D020914, MONDO:0008048, OMIM 160150.

Allele frequency attached by ClinVar (database versions not stated): TOPMed 0.00002.

Submissions (2):

Ambry Genetics
Classification: Uncertain significance. Last evaluated: 2025-02-05. Review status: criteria provided, single submitter. Criteria: Ambry Variant Classification Scheme 2023. Collection method: clinical testing. Allele origin: germline.

Labcorp Genetics (formerly Invitae), Labcorp
Classification: Uncertain significance for Autosomal dominant centronuclear myopathy. Last evaluated: 2022-06-27. Review status: criteria provided, single submitter. Criteria: Invitae Variant Classification Sherloc (09022015). Collection method: clinical testing. Allele origin: germline.
Comment: This sequence change replaces glycine, which is neutral and non-polar, with glutamic acid, which is acidic and polar, at codon 196 of the MYF6 protein (p.Gly196Glu). This variant is present in population databases (rs750182640, gnomAD 0.03%), and has an allele count higher than expected for a pathogenic variant. In summary, the available evidence is currently insufficient to determine the role of this variant in disease. Therefore, it has been classified as a Variant of Uncertain Significance. Algorithms developed to predict the effect of missense changes on protein structure and function output the following: SIFT: "Tolerated"; PolyPhen-2: "Benign"; Align-GVGD: "Class C0". The glutamic acid amino acid residue is found in multiple mammalian species, which suggests that this missense change does not adversely affect protein function. ClinVar contains an entry for this variant (Variation ID: 578567). This variant has not been reported in the literature in individuals affected with MYF6-related conditions.